The following is an entry in ClinVar:

ClinVar aggregate classification (germline): Uncertain significance (1 of 4 stars; one submission).

Submission:

Labcorp Genetics (formerly Invitae), Labcorp
Classification: Uncertain significance. Last evaluated: 2022-08-29. Review status: criteria provided, single submitter. Criteria: Invitae Variant Classification Sherloc (09022015). Collection method: clinical testing. Allele origin: germline.
Comment: In summary, the available evidence is currently insufficient to determine the role of this variant in disease. Therefore, it has been classified as a Variant of Uncertain Significance. Algorithms developed to predict the effect of missense changes on protein structure and function (SIFT, PolyPhen-2, Align-GVGD) all suggest that this variant is likely to be tolerated. This variant has not been reported in the literature in individuals affected with TCF20-related conditions. This variant is not present in population databases (gnomAD no frequency). This sequence change replaces leucine, which is neutral and non-polar, with proline, which is neutral and non-polar, at codon 1416 of the TCF20 protein (p.Leu1416Pro).

NM_001378418.1(TCF20):c.4247T>C (p.Leu1416Pro)

Gene: TCF20 (transcription factor 20; minus strand). Cytogenetic location: 22q13.2.
Variant type: single nucleotide variant.
Coding change: c.4247T>C on transcript NM_001378418.1 (MANE Select); coding-DNA position 4247, T replaced by C.
Protein change: p.Leu1416Pro; replaces leucine 1416 with proline.
Molecular consequence: missense variant.
Genome position (GRCh38, 1-based): chr22:42,211,059, A>G on the plus strand (T>C on the coding strand, the complement: TCF20 is on the minus strand). VCF-style: chr22-42211059-A-G. GRCh37 (hg19) VCF-style: chr22-42607065-A-G.
Other names: c.4247T>C, p.Leu1416Pro (NM_005650.4, NM_181492.3); short protein forms L1416P.
Identifiers: ClinVar variation 1718291 (VCV001718291.5), dbSNP rs2518208345, ClinGen allele CA411784735.